The following is an entry in ClinVar:

ClinVar aggregate classification (germline): Conflicting classifications of pathogenicity. Review status: criteria provided, conflicting classifications (1 of 4 stars). 2 submissions from 2 submitters: Uncertain significance (1); Likely benign (1). Last evaluated 2025-06-27.

Conditions:
Inborn genetic diseases. Identifiers: MedGen C0950123, MeSH D030342.

Allele frequency attached by ClinVar (database versions not stated): TOPMed below 0.00001; gnomAD exomes 0.00002.

Submissions (2):

Ambry Genetics
Classification: Uncertain significance for Inborn genetic diseases. Last evaluated: 2025-06-27. Review status: criteria provided, single submitter. Criteria: Ambry Variant Classification Scheme 2023. Collection method: clinical testing. Allele origin: germline.

GeneDx
Classification: Likely benign. Last evaluated: 2016-08-05. Review status: criteria provided, single submitter. Criteria: GeneDx Variant Classification (06012015). Collection method: clinical testing. Allele origin: germline. Affected: yes.
Comment: This variant is considered likely benign or benign based on one or more of the following criteria: it is a conservative change, it occurs at a poorly conserved position in the protein, it is predicted to be benign by multiple in silico algorithms, and/or has population frequency not consistent with disease.

NM_018136.5(ASPM):c.1871T>C (p.Ile624Thr)

Gene: ASPM (assembly factor for spindle microtubules; minus strand). Cytogenetic location: 1q31.3.
Variant type: single nucleotide variant.
Coding change: c.1871T>C on transcript NM_018136.5 (MANE Select); coding-DNA position 1871, T replaced by C.
Protein change: p.Ile624Thr; replaces isoleucine 624 with threonine.
Molecular consequence: missense variant.
Genome position (GRCh38, 1-based): chr1:197,142,381, A>G on the plus strand (T>C on the coding strand, the complement: ASPM is on the minus strand). VCF-style: chr1-197142381-A-G. GRCh37 (hg19) VCF-style: chr1-197111511-A-G.
Other names: c.1871T>C, p.Ile624Thr (NM_001206846.2); short protein forms I624T.
Identifiers: ClinVar variation 388177 (VCV000388177.4), dbSNP rs1057523023, ClinGen allele CA16603505.
Genomic context (GRCh38, chr1:197,142,381, plus strand): 5'-CAAGACTCACCAGTTTTCTTCTTCAGGTTTAATTTCTCTCTGTTGCTAATACGTTTTGAG[A>G]TGGGTGTTGTCACATTTTTTGTTTTCTTAACAGCTGATGTTTTAGGCTCTGAGGGAGAAA-3'
Protein context (NP_060606.3, residues 614-634): VKKTKNVTTP[Ile624Thr]SKRISNREKL